The following is an entry in ClinVar:

NM_001171613.2(PREPL):c.908G>A (p.Gly303Glu)

Gene: PREPL (prolyl endopeptidase like; minus strand). Cytogenetic location: 2p21.
Variant type: single nucleotide variant.
Coding change: c.908G>A on transcript NM_001171613.2 (MANE Select); coding-DNA position 908, G replaced by A.
Protein change: p.Gly303Glu; replaces glycine 303 with glutamic acid.
Molecular consequence: missense variant. On other transcripts: intron variant (1).
Genome position (GRCh38, 1-based): chr2:44,332,637, C>T on the plus strand (G>A on the coding strand, the complement: PREPL is on the minus strand). VCF-style: chr2-44332637-C-T. GRCh37 (hg19) VCF-style: chr2-44559776-C-T.
Other names: c.989G>A, p.Gly330Glu (NM_001042385.2); c.1175G>A, p.Gly392Glu (NM_001171603.1, NM_001171606.2, NM_001374275.1 and 2 more transcripts); c.908G>A, p.Gly303Glu (NM_001171617.1, NM_001374277.1); c.1156-3525G>A (NM_001042386.2); short protein forms G303E, G330E, G392E.
Identifiers: ClinVar variation 1492712 (VCV001492712.8), dbSNP rs1253183224, ClinGen allele CA346691316.

ClinVar aggregate classification (germline): Uncertain significance. Review status: criteria provided, multiple submitters, no conflicts (2 of 4 stars). 2 submissions from 2 submitters: Uncertain significance (2). Last evaluated 2021-10-06.

Conditions:
Inborn genetic diseases. Identifiers: MedGen C0950123, MeSH D030342.
Myasthenic syndrome, congenital, 22 (CMS22). Also called: PREPL DEFICIENCY. Identifiers: MedGen C4479088, MONDO:0044299, OMIM 616224.

Allele frequency attached by ClinVar (database versions not stated): gnomAD exomes below 0.00001.
gnomAD v4.1: 2 of 1,613,426 alleles (0.00012%); highest among the groups gnomAD compares: Non-Finnish European, 0.00017%; no homozygotes.

Submissions (2):

Ambry Genetics
Classification: Uncertain significance for Inborn genetic diseases. Last evaluated: 2021-10-06. Review status: criteria provided, single submitter. Criteria: Ambry Variant Classification Scheme 2023. Collection method: clinical testing. Allele origin: germline.

Labcorp Genetics (formerly Invitae), Labcorp
Classification: Uncertain significance for Myasthenic syndrome, congenital, 22. Last evaluated: 2021-06-30. Review status: criteria provided, single submitter. Criteria: Invitae Variant Classification Sherloc (09022015). Collection method: clinical testing. Allele origin: germline.
Comment: In summary, the available evidence is currently insufficient to determine the role of this variant in disease. Therefore, it has been classified as a Variant of Uncertain Significance. Algorithms developed to predict the effect of missense changes on protein structure and function are either unavailable or do not agree on the potential impact of this missense change (SIFT: "Deleterious"; PolyPhen-2: "Benign"; Align-GVGD: "Class C0"). This variant has not been reported in the literature in individuals affected with PREPL-related conditions. This variant is not present in population databases (ExAC no frequency). This sequence change replaces glycine with glutamic acid at codon 392 of the PREPL protein (p.Gly392Glu). The glycine residue is moderately conserved and there is a moderate physicochemical difference between glycine and glutamic acid.